The following is an entry in ClinVar:

ClinVar aggregate classification (germline): Conflicting classifications of pathogenicity. Review status: criteria provided, conflicting classifications (1 of 4 stars). 2 submissions from 2 submitters: Uncertain significance (1); Likely benign (1). Last evaluated 2023-03-23.

Conditions:
Hereditary breast ovarian cancer syndrome. Also called: Breast and ovarian cancer; BRCA1- and BRCA2-Associated Hereditary Breast and Ovarian Cancer; Hereditary breast and ovarian cancer; Hereditary breast and ovarian cancer syndrome (HBOC); Hereditary breast and/or ovarian cancer syndrome; Hereditary breast and ovarian cancer syndrome. Identifiers: Orphanet 145, MedGen C0677776, MeSH D061325, MONDO:0003582. Disease mechanism: loss of function.
Hereditary cancer-predisposing syndrome. Also called: Neoplastic Syndromes, Hereditary; Tumor predisposition; Hereditary Cancer Syndrome; Hereditary neoplastic syndrome. Identifiers: Orphanet 140162, MedGen C0027672, MeSH D009386, MONDO:0015356.

Allele frequency attached by ClinVar (database versions not stated): gnomAD exomes 0.00001.
gnomAD v4.1: 3 of 1,613,464 alleles (0.00019%); highest among the groups gnomAD compares: South Asian, 0.0033%; no homozygotes.

Submissions (2):

University of Washington Department of Laboratory Medicine, University of Washington
Classification: Likely benign for Hereditary cancer-predisposing syndrome. Last evaluated: 2023-03-23. Review status: criteria provided, single submitter. Criteria: Dines et al. (Genet Med. 2020). Collection method: curation. Allele origin: germline.
Comment: Missense variant in a coldspot region where missense variants are very unlikely to be pathogenic (PMID:31911673).

BRCA2 exon 11 coldspot. Reclassification based on statistical prior probability.

Labcorp Genetics (formerly Invitae), Labcorp
Classification: Uncertain significance for Hereditary breast ovarian cancer syndrome. Last evaluated: 2018-10-19. Review status: criteria provided, single submitter. Criteria: Invitae Variant Classification Sherloc (09022015). Collection method: clinical testing. Allele origin: germline.
Comment: This sequence change replaces aspartic acid with glycine at codon 1618 of the BRCA2 protein (p.Asp1618Gly). The aspartic acid residue is moderately conserved and there is a moderate physicochemical difference between aspartic acid and glycine. This variant is not present in population databases (ExAC no frequency). This variant has not been reported in the literature in individuals with BRCA2-related disease. Algorithms developed to predict the effect of missense changes on protein structure and function output the following: SIFT: "Tolerated"; PolyPhen-2: "Benign"; Align-GVGD: "Class C0". The glycine amino acid residue is found in multiple mammalian species, suggesting that this missense change does not adversely affect protein function. These predictions have not been confirmed by published functional studies and their clinical significance is uncertain. Algorithms developed to predict the effect of sequence changes on RNA splicing suggest that this variant may create or strengthen a splice site, but this prediction has not been confirmed by published transcriptional studies. In summary, the available evidence is currently insufficient to determine the role of this variant in disease. Therefore, it has been classified as a Variant of Uncertain Significance.

NM_000059.4(BRCA2):c.4853A>G (p.Asp1618Gly)

Gene: BRCA2 (BRCA2 DNA repair associated; plus strand). Cytogenetic location: 13q13.1.
Variant type: single nucleotide variant.
Coding change: c.4853A>G on transcript NM_000059.4 (MANE Select); coding-DNA position 4853, A replaced by G.
Protein change: p.Asp1618Gly; replaces aspartic acid 1618 with glycine.
Molecular consequence: missense variant.
Genome position (GRCh38, 1-based): chr13:32,339,208, A>G. VCF-style: chr13-32339208-A-G. GRCh37 (hg19) VCF-style: chr13-32913345-A-G.
Other names: short protein forms D1618G.
Identifiers: ClinVar variation 649547 (VCV000649547.10), dbSNP rs1593903587, ClinGen allele CA387783397.